The following is an entry in ClinVar:

ClinVar aggregate classification (germline): Uncertain significance (1 of 4 stars; one submission).

Conditions:
Shprintzen-Goldberg syndrome (SGS). Also called: Marfanoid disorder with craniosynostosis type 1; Marfanoid craniosynostosis syndrome; Shprintzen-Goldberg marfanoid syndrome; SHPRINTZEN-GOLDBERG CRANIOSYNOSTOSIS SYNDROME; CRANIOSYNOSTOSIS WITH ARACHNODACTYLY AND ABDOMINAL HERNIAS. Identifiers: Orphanet 2462, MedGen C1321551, MONDO:0008426, OMIM 182212.

Submission:

Labcorp Genetics (formerly Invitae), Labcorp
Classification: Uncertain significance for Shprintzen-Goldberg syndrome. Last evaluated: 2025-12-23. Review status: criteria provided, single submitter. Criteria: Invitae Variant Classification Sherloc (09022015). Collection method: clinical testing. Allele origin: germline.
Comment: This sequence change replaces cysteine, which is neutral and slightly polar, with glycine, which is neutral and non-polar, at codon 199 of the SKI protein (p.Cys199Gly). This variant is not present in population databases (gnomAD no frequency). This variant has not been reported in the literature in individuals affected with SKI-related conditions. Invitae Evidence Modeling of protein sequence and biophysical properties (such as structural, functional, and spatial information, amino acid conservation, physicochemical variation, residue mobility, and thermodynamic stability) indicates that this missense variant is not expected to disrupt SKI protein function with a negative predictive value of 95%. In summary, the available evidence is currently insufficient to determine the role of this variant in disease. Therefore, it has been classified as a Variant of Uncertain Significance.

NM_003036.4(SKI):c.595T>G (p.Cys199Gly)

Gene: SKI (SKI proto-oncogene; plus strand). Cytogenetic location: 1p36.33.
Variant type: single nucleotide variant.
Coding change: c.595T>G on transcript NM_003036.4 (MANE Select); coding-DNA position 595, T replaced by G.
Protein change: p.Cys199Gly; replaces cysteine 199 with glycine.
Molecular consequence: missense variant.
Genome position (GRCh38, 1-based): chr1:2,229,361, T>G. VCF-style: chr1-2229361-T-G. GRCh37 (hg19) VCF-style: chr1-2160800-T-G.
Other names: short protein forms C199G.
Identifiers: ClinVar variation 4799792 (VCV004799792.1).